The following is an entry in ClinVar:

ClinVar aggregate classification (germline): Uncertain significance (1 of 4 stars; one submission).

Allele frequency attached by ClinVar (database versions not stated): gnomAD exomes below 0.00001.
gnomAD v4.1: 6 of 1,210,008 alleles (0.0005%); highest among the groups gnomAD compares: Non-Finnish European, 0.00056%; no homozygotes.

Submission:

Labcorp Genetics (formerly Invitae), Labcorp
Classification: Uncertain significance. Last evaluated: 2022-05-27. Review status: criteria provided, single submitter. Criteria: Invitae Variant Classification Sherloc (09022015). Collection method: clinical testing. Allele origin: germline.
Comment: In summary, the available evidence is currently insufficient to determine the role of this variant in disease. Therefore, it has been classified as a Variant of Uncertain Significance. Algorithms developed to predict the effect of missense changes on protein structure and function output the following: SIFT: "Tolerated"; PolyPhen-2: "Benign"; Align-GVGD: "Class C0". The isoleucine amino acid residue is found in multiple mammalian species, which suggests that this missense change does not adversely affect protein function. This variant has not been reported in the literature in individuals affected with TLR7-related conditions. This variant is not present in population databases (gnomAD no frequency). This sequence change replaces valine, which is neutral and non-polar, with isoleucine, which is neutral and non-polar, at codon 355 of the TLR7 protein (p.Val355Ile).

NM_016562.4(TLR7):c.1063G>A (p.Val355Ile)

Gene: TLR7 (toll like receptor 7; plus strand). Cytogenetic location: Xp22.2.
Variant type: single nucleotide variant.
Coding change: c.1063G>A on transcript NM_016562.4 (MANE Select); coding-DNA position 1063, G replaced by A.
Protein change: p.Val355Ile; replaces valine 355 with isoleucine.
Molecular consequence: missense variant.
Genome position (GRCh38, 1-based): chrX:12,886,571, G>A. VCF-style: chrX-12886571-G-A. GRCh37 (hg19) VCF-style: chrX-12904690-G-A.
Other names: short protein forms V355I.
Identifiers: ClinVar variation 1999529 (VCV001999529.4), dbSNP rs922684733, ClinGen allele CA326797110.